The following is an entry in ClinVar:

NM_000093.5(COL5A1):c.5417_5420dup (p.Glu1808fs)

Genes: COL5A1 (collagen type V alpha 1 chain; plus strand), LOC101448202 (uncharacterized LOC101448202; minus strand). Cytogenetic location: 9q34.3.
Variant type: Duplication.
Coding change: c.5417_5420dup on transcript NM_000093.5 (MANE Select); coding-DNA positions 5417 to 5420, 4 bases duplicated (AAGT; older notation c.5417_5420dupAAGT).
Protein change: p.Glu1808fs; shifts the reading frame from glutamic acid 1808.
Molecular consequence: frameshift variant.
Genome position (GRCh38, 1-based): chr9:134,842,203-134,842,206, AAGT duplicated. VCF-style (leftmost placement, unchanged base first): chr9-134842202-A-AAAGT. GRCh37 (hg19) VCF-style: chr9-137734048-A-AAAGT.
Other names: c.5417_5420dup, p.Glu1808fs (NM_001278074.1); short protein forms E1808fs.
Identifiers: ClinVar variation 2766134 (VCV002766134.3), dbSNP rs2490953083, ClinGen allele CA2697558183.
Genomic context (GRCh38, chr9:134,842,202, plus strand): 5'-CTCCCTCTTCCCCAGACCAAGAAAGGCTACCAGAAGACGGTTCTGGAGATCGACACCCCC[A>AAAGT]AAGTGGAGCAGGTGCCCATCGTGGACATCATGTTCAATGACTTCGGTGAAGCGTCACAGA-3'

ClinVar aggregate classification (germline): Pathogenic (1 of 4 stars; one submission).

Conditions:
Ehlers-Danlos syndrome, classic type, 1 (EDSCL1). Also called: EHLERS-DANLOS SYNDROME, GRAVIS TYPE; EHLERS-DANLOS SYNDROME, SEVERE CLASSIC TYPE; Ehlers-Danlos syndrome, type 1; Ehlers-Danlos Syndrome, Classic Type, COL5A1-Related; EDS I. Identifiers: MedGen C0268335, MONDO:0019567, OMIM 130000.

Submission:

Labcorp Genetics (formerly Invitae), Labcorp
Classification: Pathogenic for Ehlers-Danlos syndrome, classic type, 1. Last evaluated: 2023-10-05. Review status: criteria provided, single submitter. Criteria: Invitae Variant Classification Sherloc (09022015). Collection method: clinical testing. Allele origin: germline.
Comment: This sequence change creates a premature translational stop signal (p.Glu1808Serfs*13) in the COL5A1 gene. While this is not anticipated to result in nonsense mediated decay, it is expected to disrupt the last 31 amino acid(s) of the COL5A1 protein. This variant is not present in population databases (gnomAD no frequency). This variant has not been reported in the literature in individuals affected with COL5A1-related conditions. This variant disrupts a region of the COL5A1 protein in which other variant(s) (p.Gln1825*) have been determined to be pathogenic (PMID: 19370768; Invitae). This suggests that this is a clinically significant region of the protein, and that variants that disrupt it are likely to be disease-causing. For these reasons, this variant has been classified as Pathogenic.

Literature cited by the submitters: PubMed 19370768.